The following is an entry in ClinVar:

ClinVar aggregate classification (germline): Uncertain significance (1 of 4 stars; one submission).

Conditions:
Cardiovascular phenotype. Identifiers: MedGen CN230736.
Hereditary cancer-predisposing syndrome. Also called: Tumor predisposition; Neoplastic Syndromes, Hereditary; Hereditary neoplastic syndrome; Hereditary Cancer Syndrome. Identifiers: Orphanet 140162, MedGen C0027672, MeSH D009386, MONDO:0015356.

Submission:

Ambry Genetics
Classification: Uncertain significance for Cardiovascular phenotype; Hereditary cancer-predisposing syndrome. Last evaluated: 2025-09-02. Review status: criteria provided, single submitter. Criteria: Ambry Variant Classification Scheme 2023. Collection method: clinical testing. Allele origin: germline.
Comment: The p.T464R variant (also known as c.1391C>G), located in coding exon 13 of the LZTR1 gene, results from a C to G substitution at nucleotide position 1391. The threonine at codon 464 is replaced by arginine, an amino acid with similar properties. This amino acid position is conserved. In addition, this alteration is predicted to be deleterious by in silico analysis. Based on the available evidence, the clinical significance of this variant remains unclear.

NM_006767.4(LZTR1):c.1391C>G (p.Thr464Arg)

Gene: LZTR1 (leucine zipper like post translational regulator 1; plus strand). Cytogenetic location: 22q11.21.
Variant type: single nucleotide variant.
Coding change: c.1391C>G on transcript NM_006767.4 (MANE Select); coding-DNA position 1391, C replaced by G.
Protein change: p.Thr464Arg; replaces threonine 464 with arginine.
Molecular consequence: missense variant.
Genome position (GRCh38, 1-based): chr22:20,993,961, C>G. VCF-style: chr22-20993961-C-G. GRCh37 (hg19) VCF-style: chr22-21348250-C-G.
Other names: short protein forms T464R.
Identifiers: ClinVar variation 4101951 (VCV004101951.1).